The following is an entry in ClinVar:

NM_017739.4(POMGNT1):c.296T>C (p.Leu99Pro)

Gene: POMGNT1 (protein O-linked mannose N-acetylglucosaminyltransferase 1 (beta 1,2-); minus strand). Cytogenetic location: 1p34.1.
Variant type: single nucleotide variant.
Coding change: c.296T>C on transcript NM_017739.4 (MANE Select); coding-DNA position 296, T replaced by C.
Protein change: p.Leu99Pro; replaces leucine 99 with proline.
Molecular consequence: missense variant. On other transcripts: 5 prime UTR variant (1).
Genome position (GRCh38, 1-based): chr1:46,196,789, A>G on the plus strand (T>C on the coding strand, the complement: POMGNT1 is on the minus strand). VCF-style: chr1-46196789-A-G. GRCh37 (hg19) VCF-style: chr1-46662461-A-G.
Other names: c.296T>C (NM_017739.3); c.230T>C, p.Leu77Pro (NM_001290129.3); c.-134T>C (NM_001290130.2); c.296T>C, p.Leu99Pro (NM_001410783.1, NM_001243766.2); short protein forms L77P, L99P.
Identifiers: ClinVar variation 2677979 (VCV002677979.6), dbSNP rs2525462732, ClinGen allele CA340191646.

ClinVar aggregate classification (germline): Likely pathogenic. Review status: criteria provided, multiple submitters, no conflicts (2 of 4 stars). 4 submissions from 4 submitters: Likely pathogenic (4). Last evaluated 2024-08-01.

Conditions:
Muscle eye brain disease (MEB). Also called: Santavuori congenital muscular dystrophy. Identifiers: Orphanet 588, Orphanet 899, MedGen C0457133, MONDO:0018939.
Muscular dystrophy-dystroglycanopathy (congenital with brain and eye anomalies), type A3. Also called: WALKER-WARBURG SYNDROME OR MUSCLE-EYE-BRAIN DISEASE, POMGNT1-RELATED; Muscular dystrophy-dystroglycanopathy (congenital with brain and eye anomalies), type A, 3; Congenital muscular dystrophy-dystroglycanopathy with brain and eye anomalies, type A3. Identifiers: MedGen C3151519, MONDO:0009667, OMIM 253280.
Retinitis pigmentosa 76 (RP76). Identifiers: MedGen C4310704, MONDO:0014929, OMIM 617123.
Muscular dystrophy-dystroglycanopathy (congenital with impaired intellectual development), type B, 3. Also called: MUSCULAR DYSTROPHY, CONGENITAL, POMGNT1-RELATED; Muscular dystrophy-dystroglycanopathy (congenital with intellectual disability), type B3. Identifiers: MedGen C3150412, MONDO:0013155, OMIM 613151.
Autosomal recessive limb-girdle muscular dystrophy type 2O. Also called: Limb-Girdle Muscular Dystrophy Type 3C; MUSCULAR DYSTROPHY-DYSTROGLYCANOPATHY (LIMB-GIRDLE), TYPE C, 3; MUSCULAR DYSTROPHY-DYSTROGLYCANOPATHY, LIMB-GIRDLE, POMGNT1-RELATED. Identifiers: Orphanet 206564, MedGen C3150417, MONDO:0013161, OMIM 613157.

Allele frequency attached by ClinVar (database versions not stated): gnomAD exomes below 0.00001.
gnomAD v4.1: 1 of 1,614,188 alleles (0.000062%); highest among the groups gnomAD compares: Non-Finnish European, 0.000085%; no homozygotes.

Submissions (4):

Natera, Inc.
Classification: Likely pathogenic for Muscle-eye-brain disease. Last evaluated: 2024-08-01. Review status: criteria provided, single submitter. Criteria: Natera Variant Classification Schema (03/2026). Collection method: clinical testing. Allele origin: germline.
Comment: The c.296T>C variant in POMGNT1 is a missense variant predicted to cause substitution of leucine to proline at amino acid 99. This variant is rare in the general population with a frequency below the threshold expected for the associated phenotype(s). This variant has been observed in one or more individuals affected with the associated recessive disease, as either homozygous or compound heterozygous with a second variant (PMID: 33176815, 28765568). Computational prediction algorithms indicate this variant is likely to affect gene or protein function. Given the available evidence, this variant is classified as Likely Pathogenic.

Fulgent Genetics
Classification: Likely pathogenic for Muscular dystrophy-dystroglycanopathy (congenital with brain and eye anomalies), type A3; Muscular dystrophy-dystroglycanopathy (congenital with impaired intellectual development), type B, 3; Autosomal recessive limb-girdle muscular dystrophy type 2O; Retinitis pigmentosa 76. Last evaluated: 2024-03-26. Review status: criteria provided, single submitter. Criteria: ACMG Guidelines, 2015. Collection method: clinical testing. Allele origin: germline.

Baylor Genetics
Classification: Likely pathogenic for Muscular dystrophy-dystroglycanopathy (congenital with brain and eye anomalies), type A3. Last evaluated: 2023-12-04. Review status: criteria provided, single submitter. Criteria: ACMG Guidelines, 2015. Collection method: clinical testing. Allele origin: unknown.

Juno Genomics, Hangzhou Juno Genomics, Inc
Classification: Likely pathogenic for Muscular dystrophy-dystroglycanopathy (congenital with impaired intellectual development), type B, 3; Muscular dystrophy-dystroglycanopathy (congenital with brain and eye anomalies), type A3; Autosomal recessive limb-girdle muscular dystrophy type 2O; Retinitis pigmentosa 76. Review status: criteria provided, single submitter. Criteria: ACMG Guidelines, 2015. Collection method: clinical testing. Allele origin: germline.
Comment: Absent from controls (or at extremely low frequency if recessive) in Genome Aggregation Database.;Multiple lines of computational evidence support a deleterious effect on the gene or gene product.;For recessive disorders, detected in trans with a pathogenic variant.

Literature cited by the submitters: PubMed 33176815 (cited by Natera, Inc.); PubMed 28765568 (cited by Natera, Inc.).